The following is an entry in ClinVar:

ClinVar aggregate classification (germline): Uncertain significance. Review status: criteria provided, multiple submitters, no conflicts (2 of 4 stars). 2 submissions from 2 submitters: Uncertain significance (2). Last evaluated 2023-12-13.

Conditions:
Hereditary spastic paraplegia 39 (SPG39). Also called: Spastic Paraplegia Type 39 (SPG39); SPASTIC PARAPLEGIA 39, AUTOSOMAL RECESSIVE. Identifiers: Orphanet 139480, MedGen C2677586, MONDO:0012787, OMIM 612020.
Inborn genetic diseases. Identifiers: MedGen C0950123, MeSH D030342.

Allele frequency attached by ClinVar (database versions not stated): gnomAD exomes below 0.00001; ExAC 0.00001; gnomAD 0.00001; TOPMed 0.00006.
gnomAD v4.1: 12 of 1,610,678 alleles (0.00075%); highest among the groups gnomAD compares: African/African-American, 0.016%; no homozygotes.

Submissions (2):

Ambry Genetics
Classification: Uncertain significance for Inborn genetic diseases. Last evaluated: 2023-12-13. Review status: criteria provided, single submitter. Criteria: Ambry Variant Classification Scheme 2023. Collection method: clinical testing. Allele origin: germline.

Labcorp Genetics (formerly Invitae), Labcorp
Classification: Uncertain significance for Hereditary spastic paraplegia 39. Last evaluated: 2021-09-24. Review status: criteria provided, single submitter. Criteria: Invitae Variant Classification Sherloc (09022015). Collection method: clinical testing. Allele origin: germline.
Comment: This sequence change replaces aspartic acid with glycine at codon 242 of the PNPLA6 protein (p.Asp242Gly). The aspartic acid residue is moderately conserved and there is a moderate physicochemical difference between aspartic acid and glycine. The frequency data for this variant in the population databases is considered unreliable, as metrics indicate poor data quality at this position in the ExAC database. This variant has not been reported in the literature in individuals affected with PNPLA6-related conditions. Algorithms developed to predict the effect of missense changes on protein structure and function (SIFT, PolyPhen-2, Align-GVGD) all suggest that this variant is likely to be tolerated. In summary, the available evidence is currently insufficient to determine the role of this variant in disease. Therefore, it has been classified as a Variant of Uncertain Significance.

NM_001166114.2(PNPLA6):c.842A>G (p.Asp281Gly)

Gene: PNPLA6 (patatin like domain 6, lysophospholipase; plus strand). Cytogenetic location: 19p13.2.
Variant type: single nucleotide variant.
Coding change: c.842A>G on transcript NM_001166114.2 (MANE Select); coding-DNA position 842, A replaced by G.
Protein change: p.Asp281Gly; replaces aspartic acid 281 with glycine.
Molecular consequence: missense variant.
Genome position (GRCh38, 1-based): chr19:7,540,969, A>G. VCF-style: chr19-7540969-A-G. GRCh37 (hg19) VCF-style: chr19-7605855-A-G.
Other names: c.869A>G, p.Asp290Gly (NM_001166111.2); c.725A>G, p.Asp242Gly (NM_001166112.2, NM_001166113.1, NM_006702.5); short protein forms D290G, D281G, D242G.
Identifiers: ClinVar variation 933665 (VCV000933665.5), dbSNP rs746313026, ClinGen allele CA9139591.